The following is an entry in ClinVar:

NM_001009944.3(PKD1):c.11807G>A (p.Trp3936Ter)

Gene: PKD1 (polycystin 1, transient receptor potential channel interacting; minus strand). Cytogenetic location: 16p13.3.
Variant type: single nucleotide variant.
Coding change: c.11807G>A on transcript NM_001009944.3 (MANE Select); coding-DNA position 11807, G replaced by A.
Protein change: p.Trp3936Ter; replaces tryptophan 3936 with a stop codon.
Molecular consequence: nonsense.
Genome position (GRCh38, 1-based): chr16:2,091,080, C>T on the plus strand (G>A on the coding strand, the complement: PKD1 is on the minus strand). VCF-style: chr16-2091080-C-T. GRCh37 (hg19) VCF-style: chr16-2141081-C-T.
Other names: c.11804G>A, p.Trp3935Ter (NM_000296.4); short protein forms W3935*, W3936*.
Identifiers: ClinVar variation 4848159 (VCV004848159.1).
Genomic context (GRCh38, chr16:2,091,080, plus strand): 5'-AGCTGGGCGAGGCGTACCAGTGCCGTGGCCGCCGTCAGCGCCACCAGCAGCCACCGCGCC[C>T]AGGCTCCGAGCCGCAGCACGCGCCAGCGCCCTTCCCTGTGCCAAGTACGGGCCTCGGCCA-3'

ClinVar aggregate classification (germline): Pathogenic (1 of 4 stars; one submission).

Conditions:
Polycystic kidney disease, adult type (PKD1). Also called: Polycystic Kidney Disease 1, Autosomal Dominant; Polycystic kidney disease 1; Polycystic kidney disease 1, severe; POLYCYSTIC KIDNEY DISEASE 1 WITH OR WITHOUT POLYCYSTIC LIVER DISEASE; POLYCYSTIC KIDNEY DISEASE, ADULT, TYPE I; Polycystic Kidney, Autosomal Dominant. Identifiers: MedGen C3149841, MONDO:0008263, OMIM 173900.

Submission:

Women's Health and Genetics/Laboratory Corporation of America, LabCorp
Classification: Pathogenic for Polycystic kidney disease, adult type. Last evaluated: 2026-02-23. Review status: criteria provided, single submitter. Criteria: LabCorp Variant Classification Summary - May 2015. Collection method: clinical testing. Allele origin: germline.
Comment: Variant summary: PKD1 c.11807G>A (p.Trp3936X) results in a premature termination codon, predicted to cause a truncation of the encoded protein or absence of the protein due to nonsense mediated decay, which are commonly known mechanisms for disease. The frequency data for this variant in gnomAD is considered unreliable, as metrics indicate poor data quality at this position. To our knowledge, no occurrence of c.11807G>A in individuals affected with PKD1-related conditions and no experimental evidence demonstrating its impact on protein function have been reported. However, a different nucleotide change resulting in the same nonsense change has been reported in an individual with autosomel dominant Polycystic Kidney Disease (Kinoshita_2016). The following publication have been ascertained in the context of this evaluation (PMID: 27835667). No submitters have cited clinical-significance assessments for this variant to ClinVar. Based on the evidence outlined above, the variant was classified as pathogenic.

Literature cited by the submitters: PubMed 27835667.